The following is an entry in ClinVar:

NM_022356.4(P3H1):c.1541A>G (p.Tyr514Cys)

Gene: P3H1 (prolyl 3-hydroxylase 1; minus strand). Cytogenetic location: 1p34.2.
Variant type: single nucleotide variant.
Coding change: c.1541A>G on transcript NM_022356.4 (MANE Select); coding-DNA position 1541, A replaced by G.
Protein change: p.Tyr514Cys; replaces tyrosine 514 with cysteine.
Molecular consequence: missense variant.
Genome position (GRCh38, 1-based): chr1:42,752,302, T>C on the plus strand (A>G on the coding strand, the complement: P3H1 is on the minus strand). VCF-style: chr1-42752302-T-C. GRCh37 (hg19) VCF-style: chr1-43217973-T-C.
Other names: c.1541A>G, p.Tyr514Cys (NM_001146289.2, NM_001243246.2); short protein forms Y514C.
Identifiers: ClinVar variation 1004506 (VCV001004506.6), dbSNP rs1011790349, ClinGen allele CA21242882.

ClinVar aggregate classification (germline): Uncertain significance (1 of 4 stars; one submission).

Conditions:
Osteogenesis imperfecta type 8 (OI8). Identifiers: MedGen C1970458, MONDO:0012581, OMIM 610915.

Allele frequency attached by ClinVar (database versions not stated): gnomAD exomes below 0.00001 and 0.00001; gnomAD 0.00001; TOPMed 0.00001.
gnomAD v4.1: 15 of 1,613,940 alleles (0.00093%); highest among the groups gnomAD compares: South Asian, 0.0022%; no homozygotes.

Submission:

Labcorp Genetics (formerly Invitae), Labcorp
Classification: Uncertain significance for Osteogenesis imperfecta type 8. Last evaluated: 2022-07-30. Review status: criteria provided, single submitter. Criteria: Invitae Variant Classification Sherloc (09022015). Collection method: clinical testing. Allele origin: germline.
Comment: This sequence change replaces tyrosine, which is neutral and polar, with cysteine, which is neutral and slightly polar, at codon 514 of the P3H1 protein (p.Tyr514Cys). This variant is present in population databases (no rsID available, gnomAD 0.0009%). This variant has not been reported in the literature in individuals affected with P3H1-related conditions. ClinVar contains an entry for this variant (Variation ID: 1004506). Algorithms developed to predict the effect of missense changes on protein structure and function (SIFT, PolyPhen-2, Align-GVGD) all suggest that this variant is likely to be tolerated. In summary, the available evidence is currently insufficient to determine the role of this variant in disease. Therefore, it has been classified as a Variant of Uncertain Significance.